The following is an entry in ClinVar:

NM_024678.6(NARS2):c.49G>A (p.Ala17Thr)

Gene: NARS2 (asparaginyl-tRNA synthetase 2, mitochondrial; minus strand). Cytogenetic location: 11q14.1.
Variant type: single nucleotide variant.
Coding change: c.49G>A on transcript NM_024678.6 (MANE Select); coding-DNA position 49, G replaced by A.
Protein change: p.Ala17Thr; replaces alanine 17 with threonine.
Molecular consequence: missense variant. On other transcripts: intron variant (1).
Genome position (GRCh38, 1-based): chr11:78,574,440, C>T on the plus strand (G>A on the coding strand, the complement: NARS2 is on the minus strand). VCF-style: chr11-78574440-C-T. GRCh37 (hg19) VCF-style: chr11-78285485-C-T.
Other names: c.-541+389G>A (NM_001243251.2); short protein forms A17T.
Identifiers: ClinVar variation 2579446 (VCV002579446.1), dbSNP rs747408900, ClinGen allele CA6205996.

ClinVar aggregate classification (germline): Uncertain significance (1 of 4 stars; one submission).

Allele frequency attached by ClinVar (database versions not stated): gnomAD exomes 0.00001; ExAC 0.00002.
gnomAD v4.1: 15 of 1,614,008 alleles (0.00093%); highest among the groups gnomAD compares: Non-Finnish European, 0.0012%; no homozygotes.

Submission:

GeneDx
Classification: Uncertain significance. Last evaluated: 2023-03-08. Review status: criteria provided, single submitter. Criteria: GeneDx Variant Classification Process June 2021. Collection method: clinical testing. Allele origin: germline. Affected: yes.
Comment: Not observed at significant frequency in large population cohorts (gnomAD); In silico analysis supports that this missense variant does not alter protein structure/function; Has not been previously published as pathogenic or benign to our knowledge